The following is an entry in ClinVar:

NM_002474.3(MYH11):c.2349T>C (p.Asp783=)

Gene: MYH11 (myosin heavy chain 11; minus strand). Cytogenetic location: 16p13.11.
Variant type: single nucleotide variant.
Coding change: c.2349T>C on transcript NM_002474.3 (MANE Select); coding-DNA position 2349, T replaced by C.
Protein change: p.Asp783=; no amino-acid change (aspartic acid 783 retained).
Molecular consequence: synonymous variant.
Genome position (GRCh38, 1-based): chr16:15,747,632, A>G on the plus strand (T>C on the coding strand, the complement: MYH11 is on the minus strand). VCF-style: chr16-15747632-A-G. GRCh37 (hg19) VCF-style: chr16-15841489-A-G.
Other names: c.2370T>C, p.Asp790= (NM_001040113.2, NM_001040114.2); c.2349T>C, p.Asp783= (NM_022844.3).
Identifiers: ClinVar variation 1535289 (VCV001535289.9), dbSNP rs1479208928, ClinGen allele CA493792106.

ClinVar aggregate classification (germline): Likely benign. Review status: criteria provided, multiple submitters, no conflicts (2 of 4 stars). 3 submissions from 3 submitters: Likely benign (3). Last evaluated 2023-06-26.

Conditions:
Familial thoracic aortic aneurysm and aortic dissection (TAAD). Also called: Thoracic aortic aneurysms and dissections. Identifiers: Orphanet 91387, MedGen C4707243, MONDO:0019625.
Aortic aneurysm, familial thoracic 4 (AAT4). Also called: AORTIC ANEURYSM/AORTIC DISSECTION AND PATENT DUCTUS ARTERIOSUS. Identifiers: MedGen C1851504, MONDO:0007568, OMIM 132900.

Submissions (3):

All of Us Research Program, National Institutes of Health
Classification: Likely benign for Familial thoracic aortic aneurysm and aortic dissection. Last evaluated: 2023-06-26. Review status: criteria provided, single submitter. Criteria: ACMG Guidelines, 2015. Collection method: clinical testing. Allele origin: germline. Inheritance: Autosomal dominant inheritance. Observed: 1 variant allele, 1 heterozygote.
Comment: This study involves interpretation of variants in research participants for the purpose of population health screening. Participant phenotype was not available at the time of variant classification. Additional details can be found in publication PMID: 35346344, PMCID: PMC8962531

Color Diagnostics, LLC DBA Color Health
Classification: Likely benign for Familial thoracic aortic aneurysm and aortic dissection. Last evaluated: 2022-11-06. Review status: criteria provided, single submitter. Criteria: ACMG Guidelines, 2015. Collection method: clinical testing. Allele origin: germline.

Labcorp Genetics (formerly Invitae), Labcorp
Classification: Likely benign for Aortic aneurysm, familial thoracic 4. Last evaluated: 2022-04-07. Review status: criteria provided, single submitter. Criteria: Invitae Variant Classification Sherloc (09022015). Collection method: clinical testing. Allele origin: germline.